The following is an entry in ClinVar:

NM_025150.5(TARS2):c.387+6T>C

Gene: TARS2 (threonyl-tRNA synthetase 2, mitochondrial; plus strand). Cytogenetic location: 1q21.2.
Variant type: single nucleotide variant.
Coding change: c.387+6T>C on transcript NM_025150.5 (MANE Select); 6 bases into the intron after coding-DNA position 387, T replaced by C.
Molecular consequence: intron variant.
Genome position (GRCh38, 1-based): chr1:150,489,093, T>C. VCF-style: chr1-150489093-T-C. GRCh37 (hg19) VCF-style: chr1-150461569-T-C.
Other names: c.387+6T>C (NM_001271895.2, NM_001271896.2).
Identifiers: ClinVar variation 424913 (VCV000424913.65), dbSNP rs1064797119, ClinGen allele CA16621574.
Genomic context (GRCh38, chr1:150,489,093, plus strand): 5'-GGAGACAGATTCTGACCTCAGATTTCTGACATTCGATTCCCCAGAGGGGAAAGCAGTAAG[T>C]TTCTTTCTTATCAGGAATACAGTGACTACTAAACCAAGAGATATTGAAGCAGGAAATTCT-3'

ClinVar aggregate classification (germline): Uncertain significance. Review status: criteria provided, single submitter (1 of 4 stars). 3 submissions from 3 submitters: Uncertain significance (1). 2 of the submissions do not count toward it. Last evaluated 2016-10-01.

Conditions:
Combined oxidative phosphorylation defect type 21. Also called: Combined oxidative phosphorylation deficiency 21. Identifiers: Orphanet 420733, MedGen C4706316, MONDO:0014398, OMIM 615918.

Allele frequency attached by ClinVar (database versions not stated): gnomAD exomes below 0.00001; TOPMed 0.00001; gnomAD 0.00001.
gnomAD v4.1: 6 of 1,614,006 alleles (0.00037%); highest among the groups gnomAD compares: East Asian, 0.0022%; no homozygotes.

Submissions (3):

CeGaT Center for Human Genetics Tuebingen
Classification: Uncertain significance. Last evaluated: 2016-10-01. Review status: criteria provided, single submitter. Criteria: CeGaT Center For Human Genetics Tuebingen Variant Classification Criteria Version 2. Collection method: clinical testing. Allele origin: germline. Affected: yes. Observed: 1 variant allele.

OMIM
Classification: Pathogenic for COMBINED OXIDATIVE PHOSPHORYLATION DEFICIENCY 21. Last evaluated: 2024-04-01. Review status: no assertion criteria provided. Collection method: literature only. Allele origin: germline. Not counted in ClinVar's aggregate classification.

Houlden Lab, UCL Institute of Neurology
Classification: Likely pathogenic for Combined oxidative phosphorylation defect type 21. Review status: no assertion criteria provided. Collection method: research. Allele origin: germline. Affected: yes. Not counted in ClinVar's aggregate classification.
Comment: This variant was identified in a compound heterozygous state with another TARS2 variant in two unrelated affected individuals (c.2051G>A; c.2140G>A) for this condition.

Literature cited by the submitters: PubMed 37454282 (cited by OMIM).